The following is an entry in ClinVar:

NM_014844.5(TECPR2):c.3104A>G (p.Asp1035Gly)

Gene: TECPR2 (tectonin beta-propeller repeat containing 2; plus strand). Cytogenetic location: 14q32.31.
Variant type: single nucleotide variant.
Coding change: c.3104A>G on transcript NM_014844.5 (MANE Select); coding-DNA position 3104, A replaced by G.
Protein change: p.Asp1035Gly; replaces aspartic acid 1035 with glycine.
Molecular consequence: missense variant.
Genome position (GRCh38, 1-based): chr14:102,449,657, A>G. VCF-style: chr14-102449657-A-G. GRCh37 (hg19) VCF-style: chr14-102915994-A-G.
Other names: c.3104A>G, p.Asp1035Gly (NM_001172631.3); short protein forms D1035G.
Identifiers: ClinVar variation 408918 (VCV000408918.8), dbSNP rs1060502181, ClinGen allele CA16614356.

ClinVar aggregate classification (germline): Uncertain significance. Review status: criteria provided, single submitter (1 of 4 stars). 2 submissions from 2 submitters: Uncertain significance (1). 1 of the submissions does not count toward it. Last evaluated 2021-08-27.

Conditions:
Hereditary spastic paraplegia 49 (HSAN9). Also called: TECPR2-Related Hereditary Sensory and Autonomic Neuropathy with Intellectual Disability; Spastic paraplegia 49, autosomal recessive; NEUROPATHY, HEREDITARY SENSORY AND AUTONOMIC, TYPE IX, WITH DEVELOPMENTAL DELAY. Identifiers: Orphanet 320385, MedGen C5190860, MONDO:0014016, OMIM 615031.

Allele frequency attached by ClinVar (database versions not stated): gnomAD exomes below 0.00001; TOPMed below 0.00001; gnomAD 0.00001.
gnomAD v4.1: 3 of 1,613,916 alleles (0.00019%); highest among the groups gnomAD compares: Admixed American, 0.005%; no homozygotes.

Submissions (2):

Labcorp Genetics (formerly Invitae), Labcorp
Classification: Uncertain significance for Hereditary spastic paraplegia 49. Last evaluated: 2021-08-27. Review status: criteria provided, single submitter. Criteria: Invitae Variant Classification Sherloc (09022015). Collection method: clinical testing. Allele origin: germline.
Comment: This sequence change replaces aspartic acid with glycine at codon 1035 of the TECPR2 protein (p.Asp1035Gly). The aspartic acid residue is highly conserved and there is a moderate physicochemical difference between aspartic acid and glycine. This variant is not present in population databases (ExAC no frequency). This variant has not been reported in the literature in individuals affected with TECPR2-related conditions. Algorithms developed to predict the effect of missense changes on protein structure and function are either unavailable or do not agree on the potential impact of this missense change (SIFT: "Deleterious"; PolyPhen-2: "Probably Damaging"; Align-GVGD: "Class C0"). In summary, the available evidence is currently insufficient to determine the role of this variant in disease. Therefore, it has been classified as a Variant of Uncertain Significance.

Natera, Inc.
Classification: Uncertain significance for Autosomal recessive spastic paraplegia type 49. Last evaluated: 2020-09-16. Review status: no assertion criteria provided. Collection method: clinical testing. Allele origin: germline. Not counted in ClinVar's aggregate classification.